The following is an entry in ClinVar:

ClinVar aggregate classification (germline): Pathogenic (1 of 4 stars; one submission).

Conditions:
Primary ciliary dyskinesia. Also called: Ciliary dyskinesia. Identifiers: Orphanet 244, MedGen C0008780, MONDO:0016575, HP:0012265.

Submission:

Labcorp Genetics (formerly Invitae), Labcorp
Classification: Pathogenic for Primary ciliary dyskinesia. Last evaluated: 2021-02-11. Review status: criteria provided, single submitter. Criteria: Invitae Variant Classification Sherloc (09022015). Collection method: clinical testing. Allele origin: germline.
Comment: For these reasons, this variant has been classified as Pathogenic. This variant has not been reported in the literature in individuals with DNAH5-related conditions. This variant is not present in population databases (ExAC no frequency). This sequence change creates a premature translational stop signal (p.Ala1459Glyfs*16) in the DNAH5 gene. It is expected to result in an absent or disrupted protein product. Loss-of-function variants in DNAH5 are known to be pathogenic (PMID: 11788826, 16627867).

Literature cited by the submitters: PubMed 11788826; PubMed 16627867.

NM_001369.3(DNAH5):c.4375dup (p.Ala1459fs)

Genes: DNAH5 (dynein axonemal heavy chain 5; minus strand), DNAH5-AS1 (DNAH5 antisense RNA 1; plus strand). Cytogenetic location: 5p15.2.
Variant type: Duplication.
Coding change: c.4375dup on transcript NM_001369.3 (MANE Select); coding-DNA position 4375, one base duplicated (G; older notation c.4375dupG).
Protein change: p.Ala1459fs; shifts the reading frame from alanine 1459.
Molecular consequence: frameshift variant.
Genome position (GRCh38, 1-based): chr5:13,864,618, C duplicated on the plus strand (G on the coding strand, the reverse complement: DNAH5 is on the minus strand); the first of 3 consecutive C bases (chr5:13,864,618-13,864,620); duplicating any one gives the same sequence. VCF-style (leftmost placement, unchanged base first): chr5-13864617-G-GC. GRCh37 (hg19) VCF-style: chr5-13864726-G-GC.
Other names: short protein forms A1459fs.
Identifiers: ClinVar variation 1446236 (VCV001446236.6), dbSNP rs2151908870, ClinGen allele CA2573138490.
Genomic context (GRCh38, chr5:13,864,617, plus strand): 5'-CACTCGCTGAAATCATCAATGATCTTCTTCAGGTCCAAAAAAGCCTGCCAGTCCTTCAAG[G>GC]CCCGGGGAAGCTTTCGACATCTGTGAAGGGACACCAACATGAAAGGCCATTGAAATATGA-3'